The following is an entry in ClinVar:

NM_000179.3(MSH6):c.1013G>A (p.Arg338Lys)

Gene: MSH6 (mutS homolog 6; plus strand). Cytogenetic location: 2p16.3.
Variant type: single nucleotide variant.
Coding change: c.1013G>A on transcript NM_000179.3 (MANE Select); coding-DNA position 1013, G replaced by A.
Protein change: p.Arg338Lys; replaces arginine 338 with lysine.
Molecular consequence: missense variant.
Genome position (GRCh38, 1-based): chr2:47,798,996, G>A. VCF-style: chr2-47798996-G-A. GRCh37 (hg19) VCF-style: chr2-48026135-G-A.
Other names: c.623G>A, p.Arg208Lys (NM_001281492.2); c.107G>A, p.Arg36Lys (NM_001281493.2, NM_001281494.2, NM_001406811.1 and 6 more transcripts); c.716G>A, p.Arg239Lys (NM_001406805.1, NM_001406818.1, NM_001406819.1 and 10 more transcripts); c.488G>A, p.Arg163Lys (NM_001406806.1, NM_001406807.1, NM_001406799.1); c.1013G>A, p.Arg338Lys (NM_001406808.1, NM_001406809.1, NM_001406817.1 and 4 more transcripts); c.1019G>A, p.Arg340Lys (NM_001406813.1); c.845G>A, p.Arg282Lys (NM_001406826.1); c.1109G>A, p.Arg370Lys (NM_001406795.1, NM_001406802.1); and 1 more; short protein forms R163K, R208K, R338K, R239K, R282K, R36K, R370K, R312K.
Identifiers: ClinVar variation 1736639 (VCV001736639.2), dbSNP rs2104313445, ClinGen allele CA346741267.

ClinVar aggregate classification (germline): Uncertain significance (1 of 4 stars; one submission).

Conditions:
Hereditary cancer-predisposing syndrome. Also called: Neoplastic Syndromes, Hereditary; Tumor predisposition; Hereditary Cancer Syndrome; Hereditary neoplastic syndrome. Identifiers: Orphanet 140162, MedGen C0027672, MeSH D009386, MONDO:0015356.

Submission:

Ambry Genetics
Classification: Uncertain significance for Hereditary cancer-predisposing syndrome. Last evaluated: 2020-11-30. Review status: criteria provided, single submitter. Criteria: Ambry Variant Classification Scheme 2023. Collection method: clinical testing. Allele origin: germline.
Comment: The p.R338K variant (also known as c.1013G>A), located in coding exon 4 of the MSH6 gene, results from a G to A substitution at nucleotide position 1013. The arginine at codon 338 is replaced by lysine, an amino acid with highly similar properties. This amino acid position is poorly conserved in available vertebrate species. In addition, this alteration is predicted to be tolerated by in silico analysis. Since supporting evidence is limited at this time, the clinical significance of this alteration remains unclear.